The following is an entry in ClinVar:

NM_005562.3(LAMC2):c.884G>A (p.Arg295Gln)

Gene: LAMC2 (laminin subunit gamma 2; plus strand). Cytogenetic location: 1q25.3.
Variant type: single nucleotide variant.
Coding change: c.884G>A on transcript NM_005562.3 (MANE Select); coding-DNA position 884, G replaced by A.
Protein change: p.Arg295Gln; replaces arginine 295 with glutamine.
Molecular consequence: missense variant.
Genome position (GRCh38, 1-based): chr1:183,223,255, G>A. VCF-style: chr1-183223255-G-A. GRCh37 (hg19) VCF-style: chr1-183192390-G-A.
Other names: c.884G>A, p.Arg295Gln (NM_018891.3); short protein forms R295Q.
Identifiers: ClinVar variation 293998 (VCV000293998.17), dbSNP rs141901570, ClinGen allele CA1282461.

ClinVar aggregate classification (germline): Conflicting classifications of pathogenicity. Review status: criteria provided, conflicting classifications (1 of 4 stars). 4 submissions from 4 submitters: Uncertain significance (1); Benign (1); Likely benign (1). 1 of the submissions does not count toward it. Last evaluated 2026-01-19.

Conditions:
LAMC2-related disorder. Also called: LAMC2-related condition.
Junctional epidermolysis bullosa. Identifiers: Orphanet 305, MedGen C0079301, MONDO:0017612.

Allele frequency attached by ClinVar (database versions not stated): 1000 Genomes Project 30x 0.00125; gnomAD 0.00132 and 0.00134; 1000 Genomes Project 0.00140; TOPMed 0.00143; ExAC 0.00148; ESP Exome Variant Server 0.00161.
gnomAD v4.1: 3,250 of 1,614,192 alleles (0.2%); highest among the groups gnomAD compares: Non-Finnish European, 0.24%; 4 homozygotes.

Submissions (4):

Labcorp Genetics (formerly Invitae), Labcorp
Classification: Benign. Last evaluated: 2026-01-19. Review status: criteria provided, single submitter. Criteria: Invitae Variant Classification Sherloc (09022015). Collection method: clinical testing. Allele origin: germline.

Blueprint Genetics
Classification: Likely benign. Last evaluated: 2024-11-21. Review status: criteria provided, single submitter. Criteria: ACMG Guidelines, 2015. Collection method: clinical testing. Allele origin: germline.

Illumina Laboratory Services, Illumina
Classification: Uncertain significance for Junctional epidermolysis bullosa. Last evaluated: 2018-01-13. Review status: criteria provided, single submitter. Criteria: ICSL Variant Classification Criteria 13 December 2019. Collection method: clinical testing. Allele origin: germline.

PreventionGenetics, part of Exact Sciences
Classification: Likely benign for LAMC2-related condition. Last evaluated: 2023-12-11. Review status: no assertion criteria provided. Collection method: clinical testing. Allele origin: germline. Not counted in ClinVar's aggregate classification.
Comment: This variant is classified as likely benign based on ACMG/AMP sequence variant interpretation guidelines (Richards et al. 2015 PMID: 25741868, with internal and published modifications).